The following is an entry in ClinVar:

ClinVar aggregate classification (germline): Uncertain significance (1 of 4 stars; one submission).

Submission:

Labcorp Genetics (formerly Invitae), Labcorp
Classification: Uncertain significance. Last evaluated: 2025-08-14. Review status: criteria provided, single submitter. Criteria: Invitae Variant Classification Sherloc (09022015). Collection method: clinical testing. Allele origin: germline.
Comment: This sequence change replaces leucine, which is neutral and non-polar, with valine, which is neutral and non-polar, at codon 444 of the RIMS1 protein (p.Leu444Val). This variant is not present in population databases (gnomAD no frequency). This variant has not been reported in the literature in individuals affected with RIMS1-related conditions. An algorithm developed to predict the effect of missense changes on protein structure and function (PolyPhen-2) suggests that this variant is likely to be tolerated. In summary, the available evidence is currently insufficient to determine the role of this variant in disease. Therefore, it has been classified as a Variant of Uncertain Significance.

NM_014989.7(RIMS1):c.1330C>G (p.Leu444Val)

Gene: RIMS1 (regulating synaptic membrane exocytosis 1; plus strand). Cytogenetic location: 6q13.
Variant type: single nucleotide variant.
Coding change: c.1330C>G on transcript NM_014989.7 (MANE Select); coding-DNA position 1330, C replaced by G.
Protein change: p.Leu444Val; replaces leucine 444 with valine.
Molecular consequence: missense variant.
Genome position (GRCh38, 1-based): chr6:72,182,801, C>G. VCF-style: chr6-72182801-C-G. GRCh37 (hg19) VCF-style: chr6-72892504-C-G.
Other names: short protein forms L444V.
Identifiers: ClinVar variation 4772680 (VCV004772680.1).
Genomic context (GRCh38, chr6:72,182,801, plus strand): 5'-TCGCCGCGGGCTTACTCGGCTGAGAGAACTGCGGAGACCAGGGCGCCGGGCGCCAAGCAG[C>G]TAACGAACCACAGCCCGCCGGCGCCCAGACATGGGCCGGTTCCCGCAGAAGCCCCGGAGC-3'
Protein context (NP_055804.2, residues 434-454): AETRAPGAKQ[Leu444Val]TNHSPPAPRH